The following is an entry in ClinVar:

ClinVar aggregate classification (germline): Uncertain significance. Review status: criteria provided, multiple submitters, no conflicts (2 of 4 stars). 3 submissions from 3 submitters: Uncertain significance (3). Last evaluated 2023-11-14.

Conditions:
Hereditary cancer-predisposing syndrome. Also called: Neoplastic Syndromes, Hereditary; Hereditary Cancer Syndrome; Tumor predisposition; Hereditary neoplastic syndrome. Identifiers: Orphanet 140162, MedGen C0027672, MeSH D009386, MONDO:0015356.
Endometrial carcinoma. Also called: Endometrial carcinoma, somatic. Identifiers: MedGen C0476089, MONDO:0002447, OMIM 608089, HP:0012114.

Submissions (3):

Baylor Genetics
Classification: Uncertain significance for Endometrial carcinoma. Last evaluated: 2023-11-14. Review status: criteria provided, single submitter. Criteria: ACMG Guidelines, 2015. Collection method: clinical testing. Allele origin: unknown.

Labcorp Genetics (formerly Invitae), Labcorp
Classification: Uncertain significance. Last evaluated: 2021-07-26. Review status: criteria provided, single submitter. Criteria: Invitae Variant Classification Sherloc (09022015). Collection method: clinical testing. Allele origin: germline.
Comment: This sequence change replaces alanine with threonine at codon 1073 of the MSH3 protein (p.Ala1073Thr). The alanine residue is moderately conserved and there is a small physicochemical difference between alanine and threonine. In summary, the available evidence is currently insufficient to determine the role of this variant in disease. Therefore, it has been classified as a Variant of Uncertain Significance. Algorithms developed to predict the effect of missense changes on protein structure and function are either unavailable or do not agree on the potential impact of this missense change (SIFT: "Deleterious"; PolyPhen-2: "Probably Damaging"; Align-GVGD: "Class C0"). This variant has not been reported in the literature in individuals affected with MSH3-related conditions. This variant is not present in population databases (ExAC no frequency).

Ambry Genetics
Classification: Uncertain significance for Hereditary cancer-predisposing syndrome. Last evaluated: 2021-05-25. Review status: criteria provided, single submitter. Criteria: Ambry Variant Classification Scheme 2023. Collection method: clinical testing. Allele origin: germline.
Comment: The p.A1073T variant (also known as c.3217G>A), located in coding exon 23 of the MSH3 gene, results from a G to A substitution at nucleotide position 3217. The alanine at codon 1073 is replaced by threonine, an amino acid with similar properties. This amino acid position is highly conserved in available vertebrate species. In addition, this alteration is predicted to be deleterious by in silico analysis. Since supporting evidence is limited at this time, the clinical significance of this alteration remains unclear.

NM_002439.5(MSH3):c.3217G>A (p.Ala1073Thr)

Gene: MSH3 (mutS homolog 3; plus strand). Cytogenetic location: 5q14.1.
Variant type: single nucleotide variant.
Coding change: c.3217G>A on transcript NM_002439.5 (MANE Select); coding-DNA position 3217, G replaced by A.
Protein change: p.Ala1073Thr; replaces alanine 1073 with threonine.
Molecular consequence: missense variant.
Genome position (GRCh38, 1-based): chr5:80,873,202, G>A. VCF-style: chr5-80873202-G-A. GRCh37 (hg19) VCF-style: chr5-80169021-G-A.
Other names: short protein forms A1073T.
Identifiers: ClinVar variation 1524324 (VCV001524324.11), dbSNP rs1489181927, ClinGen allele CA360346963.
Genomic context (GRCh38, chr5:80,873,202, plus strand): 5'-GTCACCTTCCTTTACCAAATAACTAGAGGAATTGCAGCAAGGAGTTATGGATTAAATGTG[G>A]CTAAACTAGCAGATGTTCCTGGAGAAATTTTGAAGAAAGCAGCTCACAAGTCAAAAGAGC-3'
Protein context (NP_002430.3, residues 1063-1083): IAARSYGLNV[Ala1073Thr]KLADVPGEIL